The following is an entry in ClinVar:

ClinVar aggregate classification (germline): Uncertain significance. Review status: criteria provided, multiple submitters, no conflicts (2 of 4 stars). 2 submissions from 2 submitters: Uncertain significance (2). Last evaluated 2025-02-15.

Conditions:
Hereditary cancer-predisposing syndrome. Also called: Tumor predisposition; Hereditary Cancer Syndrome; Hereditary neoplastic syndrome; Neoplastic Syndromes, Hereditary. Identifiers: Orphanet 140162, MedGen C0027672, MeSH D009386, MONDO:0015356.
EGFR-related lung cancer (EGFR). Identifiers: MedGen CN130014.

Submissions (2):

Ambry Genetics
Classification: Uncertain significance for Hereditary cancer-predisposing syndrome. Last evaluated: 2025-02-15. Review status: criteria provided, single submitter. Criteria: Ambry Variant Classification Scheme 2023. Collection method: clinical testing. Allele origin: germline.
Comment: The p.V1200A variant (also known as c.3599T>C), located in coding exon 28 of the EGFR gene, results from a T to C substitution at nucleotide position 3599. The valine at codon 1200 is replaced by alanine, an amino acid with similar properties. This amino acid position is conserved. In addition, this alteration is predicted to be tolerated by in silico analysis. Based on the available evidence, the clinical significance of this variant remains unclear.

Labcorp Genetics (formerly Invitae), Labcorp
Classification: Uncertain significance for EGFR-related lung cancer. Last evaluated: 2022-08-04. Review status: criteria provided, single submitter. Criteria: Invitae Variant Classification Sherloc (09022015). Collection method: clinical testing. Allele origin: germline.
Comment: In summary, the available evidence is currently insufficient to determine the role of this variant in disease. Therefore, it has been classified as a Variant of Uncertain Significance. Algorithms developed to predict the effect of missense changes on protein structure and function output the following: SIFT: "Tolerated"; PolyPhen-2: "Benign"; Align-GVGD: "Class C0". The alanine amino acid residue is found in multiple mammalian species, which suggests that this missense change does not adversely affect protein function. This variant has not been reported in the literature in individuals affected with EGFR-related conditions. This variant is not present in population databases (gnomAD no frequency). This sequence change replaces valine, which is neutral and non-polar, with alanine, which is neutral and non-polar, at codon 1200 of the EGFR protein (p.Val1200Ala).

NM_005228.5(EGFR):c.3599T>C (p.Val1200Ala)

Gene: EGFR (epidermal growth factor receptor; plus strand). Cytogenetic location: 7p11.2.
Variant type: single nucleotide variant.
Coding change: c.3599T>C on transcript NM_005228.5 (MANE Select); coding-DNA position 3599, T replaced by C.
Protein change: p.Val1200Ala; replaces valine 1200 with alanine.
Molecular consequence: missense variant.
Genome position (GRCh38, 1-based): chr7:55,205,583, T>C. VCF-style: chr7-55205583-T-C. GRCh37 (hg19) VCF-style: chr7-55273276-T-C.
Other names: c.3464T>C, p.Val1155Ala (NM_001346899.2); c.3440T>C, p.Val1147Ala (NM_001346900.2); c.2798T>C, p.Val933Ala (NM_001346941.2); short protein forms V1147A, V1155A, V1200A, V933A.
Identifiers: ClinVar variation 1988348 (VCV001988348.5), dbSNP rs2534897536, ClinGen allele CA367584979.
Genomic context (GRCh38, chr7:55,205,583, plus strand): 5'-AAGCCAAGCCAAATGGCATCTTTAAGGGCTCCACAGCTGAAAATGCAGAATACCTAAGGG[T>C]CGCGCCACAAAGCAGTGAATTTATTGGAGCATGACCACGGAGGATAGTATGAGCCCTAAA-3'
Protein context (NP_005219.2, residues 1190-1210): STAENAEYLR[Val1200Ala]APQSSEFIGA